The following is an entry in ClinVar:

ClinVar aggregate classification (germline): Uncertain significance. Review status: criteria provided, multiple submitters, no conflicts (2 of 4 stars). 2 submissions from 2 submitters: Uncertain significance (2). Last evaluated 2025-03-18.

Conditions:
Inborn genetic diseases. Identifiers: MedGen C0950123, MeSH D030342.

Allele frequency attached by ClinVar (database versions not stated): gnomAD exomes 0.00001; gnomAD 0.00001; TOPMed 0.00001; ExAC 0.00001.
gnomAD v4.1: 6 of 1,613,648 alleles (0.00037%); highest among the groups gnomAD compares: East Asian, 0.011%; no homozygotes.

Submissions (2):

Labcorp Genetics (formerly Invitae), Labcorp
Classification: Uncertain significance. Last evaluated: 2025-03-18. Review status: criteria provided, single submitter. Criteria: Invitae Variant Classification Sherloc (09022015). Collection method: clinical testing. Allele origin: germline.
Comment: This sequence change replaces alanine, which is neutral and non-polar, with aspartic acid, which is acidic and polar, at codon 1188 of the HR protein (p.Ala1188Asp). This variant is present in population databases (rs752583254, gnomAD 0.01%). This variant has not been reported in the literature in individuals affected with HR-related conditions. ClinVar contains an entry for this variant (Variation ID: 3106920). An algorithm developed to predict the effect of missense changes on protein structure and function (PolyPhen-2) suggests that this variant is likely to be disruptive. In summary, the available evidence is currently insufficient to determine the role of this variant in disease. Therefore, it has been classified as a Variant of Uncertain Significance.

Ambry Genetics
Classification: Uncertain significance for Inborn genetic diseases. Last evaluated: 2023-09-26. Review status: criteria provided, single submitter. Criteria: Ambry Variant Classification Scheme 2023. Collection method: clinical testing. Allele origin: germline.

NM_005144.5(HR):c.3563C>A (p.Ala1188Asp)

Gene: HR (HR lysine demethylase and nuclear receptor corepressor; minus strand). Cytogenetic location: 8p21.3.
Variant type: single nucleotide variant.
Coding change: c.3563C>A on transcript NM_005144.5 (MANE Select); coding-DNA position 3563, C replaced by A.
Protein change: p.Ala1188Asp; replaces alanine 1188 with aspartic acid.
Molecular consequence: missense variant.
Genome position (GRCh38, 1-based): chr8:22,115,707, G>T on the plus strand (C>A on the coding strand, the complement: HR is on the minus strand). VCF-style: chr8-22115707-G-T. GRCh37 (hg19) VCF-style: chr8-21973220-G-T.
Other names: c.3398C>A, p.Ala1133Asp (NM_018411.4); short protein forms A1133D, A1188D.
Identifiers: ClinVar variation 3106920 (VCV003106920.2), dbSNP rs752583254, ClinGen allele CA4661727.